The following is an entry in ClinVar:

ClinVar aggregate classification (germline): Conflicting classifications of pathogenicity. Review status: criteria provided, conflicting classifications (1 of 4 stars). 5 submissions from 5 submitters: Uncertain significance (4); Likely benign (1). Last evaluated 2025-09-10.

Conditions:
Cardiovascular phenotype. Identifiers: MedGen CN230736.
Cardiomyopathy (CMYO). Also called: Cardiomyopathies. Identifiers: Orphanet 167848, MedGen C0878544, MONDO:0004994, HP:0001638. Inheritance: Various modes of inheritance.
Arrhythmogenic right ventricular dysplasia 5. Also called: Arrhythmogenic Right Ventricular Dysplasia/Cardiomyopathy 5; ARRHYTHMOGENIC RIGHT VENTRICULAR DYSPLASIA, FAMILIAL, 5. Identifiers: MedGen C1858379, MONDO:0011459, OMIM 604400.

Allele frequency attached by ClinVar (database versions not stated): TOPMed 0.00001; gnomAD exomes below 0.00001; ExAC 0.00001.
gnomAD v4.1: 7 of 1,609,284 alleles (0.00043%); highest among the groups gnomAD compares: African/African-American, 0.0013%; no homozygotes.

Submissions (5):

Color Diagnostics, LLC DBA Color Health
Classification: Likely benign for Cardiomyopathy. Last evaluated: 2025-09-10. Review status: criteria provided, single submitter. Criteria: ACMG Guidelines, 2015. Collection method: clinical testing. Allele origin: germline.

Ambry Genetics
Classification: Uncertain significance for Cardiovascular phenotype. Last evaluated: 2024-12-28. Review status: criteria provided, single submitter. Criteria: Ambry Variant Classification Scheme 2023. Collection method: clinical testing. Allele origin: germline.
Comment: The p.K99R variant (also known as c.296A>G), located in coding exon 3 of the TMEM43 gene, results from an A to G substitution at nucleotide position 296. The lysine at codon 99 is replaced by arginine, an amino acid with highly similar properties. This alteration has been reported as a secondary cardiac variant in an exome cohort (Ng D et al. Circ Cardiovasc Genet, 2013 Aug;6:337-46). This amino acid position is highly conserved in available vertebrate species. In addition, this alteration is predicted to be tolerated by in silico analysis. Since supporting evidence is limited at this time, the clinical significance of this alteration remains unclear.

Labcorp Genetics (formerly Invitae), Labcorp
Classification: Uncertain significance for Arrhythmogenic right ventricular dysplasia 5. Last evaluated: 2024-11-04. Review status: criteria provided, single submitter. Criteria: Invitae Variant Classification Sherloc (09022015). Collection method: clinical testing. Allele origin: germline.
Comment: This sequence change replaces lysine, which is basic and polar, with arginine, which is basic and polar, at codon 99 of the TMEM43 protein (p.Lys99Arg). This variant is present in population databases (rs199943048, gnomAD 0.0009%). This variant has not been reported in the literature in individuals affected with TMEM43-related conditions. ClinVar contains an entry for this variant (Variation ID: 191784). An algorithm developed to predict the effect of missense changes on protein structure and function (PolyPhen-2) suggests that this variant is likely to be disruptive. In summary, the available evidence is currently insufficient to determine the role of this variant in disease. Therefore, it has been classified as a Variant of Uncertain Significance.

Women's Health and Genetics/Laboratory Corporation of America, LabCorp
Classification: Uncertain significance. Last evaluated: 2019-11-25. Review status: criteria provided, single submitter. Criteria: LabCorp Variant Classification Summary - May 2015. Collection method: clinical testing. Allele origin: germline.
Comment: Variant summary: TMEM43 c.296A>G (p.Lys99Arg) results in a conservative amino acid change in the encoded protein sequence. Four of five in-silico tools predict a benign effect of the variant on protein function. 5/5 computational tools predict that the variant slightly weakens a 5' donor site. However, these predictions have yet to be confirmed by functional studies. The variant allele was found at a frequency of 4e-06 in 247764 control chromosomes (gnomAD). The available data on variant occurrences in the general population are insufficient to allow any conclusion about variant significance. To our knowledge, no occurrence of c.296A>G in individuals affected with Arrhythmia and no experimental evidence demonstrating its impact on protein function have been reported. A ClinVar submission (evaluation after 2014) cites the variant as uncertain significance. Based on the evidence outlined above, the variant was classified as uncertain significance.

Biesecker Lab/Clinical Genomics Section, National Institutes of Health
Classification: Uncertain significance. Last evaluated: 2013-06-24. Review status: criteria provided, single submitter. Criteria: Ng et al. (Circ Cardiovasc Genet. 2013). Collection method: research. Allele origin: unknown. Observed: 1 variant allele. Study: ClinSeq.
Comment: The study set was not selected for affection status in relation to any cancer. Pathogenicity categories were based on literature curation. See Pubmed ID:23861362 for details.

Medical sequencing

Literature cited by the submitters: PubMed 23861362 (cited by Ambry Genetics and Women's Health and Genetics/Laboratory Corporation of America, LabCorp).

NM_024334.3(TMEM43):c.296A>G (p.Lys99Arg)

Gene: TMEM43 (transmembrane protein 43; plus strand). Cytogenetic location: 3p25.1.
Variant type: single nucleotide variant.
Coding change: c.296A>G on transcript NM_024334.3 (MANE Select); coding-DNA position 296, A replaced by G.
Protein change: p.Lys99Arg; replaces lysine 99 with arginine.
Molecular consequence: missense variant.
Genome position (GRCh38, 1-based): chr3:14,130,955, A>G. VCF-style: chr3-14130955-A-G. GRCh37 (hg19) VCF-style: chr3-14172455-A-G.
Other names: short protein forms K99R.
Identifiers: ClinVar variation 191784 (VCV000191784.14), dbSNP rs199943048, ClinGen allele CA024650.